The following is an entry in ClinVar:

NM_001148.6(ANK2):c.5724del (p.Thr1910fs)

Genes: ANK2 (ankyrin 2; plus strand), LOC126807136 (MED14-independent group 3 enhancer GRCh37_chr4:114274931-114276130; plus strand). Cytogenetic location: 4q26.
Variant type: Deletion.
Coding change: c.5724del on transcript NM_001148.6 (MANE Select); coding-DNA position 5724, one base deleted (C; older notation c.5724delC).
Protein change: p.Thr1910fs; shifts the reading frame from threonine 1910.
Molecular consequence: frameshift variant. On other transcripts: intron variant (68).
Genome position (GRCh38, 1-based): chr4:113,354,342, C deleted. VCF-style (leftmost placement, unchanged base first): chr4-113354341-GC-G. GRCh37 (hg19) VCF-style: chr4-114275497-GC-G.
Other names: c.5490del, p.Thr1832fs (NM_001386142.1); c.2124del, p.Thr710fs (NM_001386166.1); c.5865del, p.Thr1957fs (NM_001386174.1); c.5841del, p.Thr1949fs (NM_001386175.1); c.4411+4093del (NM_001386186.2, NM_001386148.2); c.4213+4093del (NM_001354269.3); c.4291+4093del (NM_001386187.2); c.4252+4093del (NM_001386147.1); and 35 more; short protein forms T1832fs, T1910fs, T1949fs, T1957fs, T710fs.
Identifiers: ClinVar variation 3344952 (VCV003344952.1).

ClinVar aggregate classification (germline): Likely pathogenic (0 of 4 stars; one submission).

Conditions:
ANK2-related disorder. Also called: ANK2-related condition.

Submission:

PreventionGenetics, part of Exact Sciences
Classification: Likely pathogenic for ANK2-related condition. Last evaluated: 2024-09-03. Review status: no assertion criteria provided. Collection method: clinical testing. Allele origin: germline.
Comment: The ANK2 c.5724delC variant is predicted to result in a frameshift and premature protein termination (p.Thr1910Glnfs*84). To our knowledge, this variant has not been reported in the literature or in a large population database, indicating this variant is rare. This variant falls within an exon that is differentially expressed and has low or absent expression in most tissues but is expressed in the brain (York et al. 2022. PubMed ID: 35990955). Frameshift variants within this exon in ANK2 are expected to be pathogenic (York et al. 2022. PubMed ID: 35990955). This variant is interpreted as likely pathogenic in the context of autism spectrum disorders, but is of uncertain clinical significance in the context of ANK2-related cardiac disorders.